The following is an entry in ClinVar:

ClinVar aggregate classification (germline): Uncertain significance (1 of 4 stars; one submission).

Conditions:
Pure or complex autosomal recessive spastic paraplegia. Identifiers: Orphanet 320346, MedGen C5679887, MONDO:0017915.

Allele frequency attached by ClinVar (database versions not stated): gnomAD exomes below 0.00001; ExAC 0.00001; gnomAD 0.00001; 1000 Genomes Project 30x 0.00016; 1000 Genomes Project 0.00020.
gnomAD v4.1: 4 of 1,607,330 alleles (0.00025%); highest among the groups gnomAD compares: African/African-American, 0.004%; no homozygotes.

Submission:

Labcorp Genetics (formerly Invitae), Labcorp
Classification: Uncertain significance for Pure or complex autosomal recessive spastic paraplegia. Last evaluated: 2022-09-14. Review status: criteria provided, single submitter. Criteria: Invitae Variant Classification Sherloc (09022015). Collection method: clinical testing. Allele origin: germline.
Comment: In summary, the available evidence is currently insufficient to determine the role of this variant in disease. Therefore, it has been classified as a Variant of Uncertain Significance. Variants that disrupt the consensus splice site are a relatively common cause of aberrant splicing (PMID: 17576681, 9536098). Algorithms developed to predict the effect of sequence changes on RNA splicing suggest that this variant is not likely to affect RNA splicing. This variant has not been reported in the literature in individuals affected with ZFR-related conditions. This variant is present in population databases (rs554807842, gnomAD 0.007%). This sequence change falls in intron 6 of the ZFR gene. It does not directly change the encoded amino acid sequence of the ZFR protein. It affects a nucleotide within the consensus splice site.

Literature cited by the submitters: PubMed 17576681; PubMed 9536098.

NM_016107.5(ZFR):c.1032+4C>T

Gene: ZFR (zinc finger RNA binding protein; minus strand). Cytogenetic location: 5p13.3.
Variant type: single nucleotide variant.
Coding change: c.1032+4C>T on transcript NM_016107.5 (MANE Select); 4 bases into the intron after coding-DNA position 1032, C replaced by T.
Molecular consequence: intron variant.
Genome position (GRCh38, 1-based): chr5:32,406,770, G>A on the plus strand (C>T on the coding strand, the complement: ZFR is on the minus strand). VCF-style: chr5-32406770-G-A. GRCh37 (hg19) VCF-style: chr5-32406875-G-A.
Identifiers: ClinVar variation 2194319 (VCV002194319.4), dbSNP rs554807842, ClinGen allele CA3221942.